The following is an entry in ClinVar:

ClinVar aggregate classification (germline): Benign. Review status: criteria provided, multiple submitters, no conflicts (2 of 4 stars). 10 submissions from 10 submitters: Benign (9). 1 of the submissions does not count toward it. Last evaluated 2026-02-04.

Conditions:
Fanconi anemia (FA). Also called: Fanconi's anemia. Identifiers: Orphanet 84, MedGen C0015625, MeSH D005199, MONDO:0019391.
Fanconi anemia complementation group A (FANCA). Also called: Fanconi anemia, group A; FANCA-Related Fanconi Anemia. Identifiers: Orphanet 84, MedGen C3469521, MONDO:0009215, OMIM 227650.

Allele frequency attached by ClinVar (database versions not stated): gnomAD exomes 0.00300 and 0.00742; ExAC 0.01614; gnomAD 0.03300; ESP Exome Variant Server 0.03560; TOPMed 0.03735; 1000 Genomes Project 0.03814; 1000 Genomes Project 30x 0.03873.
gnomAD v4.1: 9,360 of 1,551,564 alleles (0.6%); highest among the groups gnomAD compares: African/African-American, 11%; 516 homozygotes.

Submissions (10):

Labcorp Genetics (formerly Invitae), Labcorp
Classification: Benign for Fanconi anemia. Last evaluated: 2026-02-04. Review status: criteria provided, single submitter. Criteria: Invitae Variant Classification Sherloc (09022015). Collection method: clinical testing. Allele origin: germline.

Quest Diagnostics Nichols Institute San Juan Capistrano
Classification: Benign. Last evaluated: 2025-05-08. Review status: criteria provided, single submitter. Criteria: Quest Diagnostics criteria. Collection method: clinical testing. Allele origin: unknown.

ARUP Laboratories, Molecular Genetics and Genomics, ARUP Laboratories
Classification: Benign for Fanconi anemia complementation group A. Last evaluated: 2024-04-22. Review status: criteria provided, single submitter. Criteria: ARUP Molecular Germline Variant Investigation Process 2024. Collection method: clinical testing. Allele origin: germline.

KCCC/NGS Laboratory, Kuwait Cancer Control Center
Classification: Benign for Fanconi anemia complementation group A. Last evaluated: 2023-07-07. Review status: criteria provided, single submitter. Criteria: ACMG Guidelines, 2015. Collection method: clinical testing. Allele origin: germline. Affected: yes.

Mayo Clinic Laboratories, Mayo Clinic
Classification: Benign. Last evaluated: 2021-05-06. Review status: criteria provided, single submitter. Criteria: ACMG Guidelines, 2015. Collection method: clinical testing. Allele origin: germline. Observed: 47 variant alleles.

GeneDx
Classification: Benign. Last evaluated: 2019-03-20. Review status: criteria provided, single submitter. Criteria: GeneDx Variant Classification Process June 2021. Collection method: clinical testing. Allele origin: germline. Affected: yes.

Illumina Laboratory Services, Illumina
Classification: Benign for Fanconi anemia complementation group A. Last evaluated: 2018-01-13. Review status: criteria provided, single submitter. Criteria: ICSL Variant Classification Criteria 13 December 2019. Collection method: clinical testing. Allele origin: germline.
Comment: This variant was observed in the ICSL laboratory as part of a predisposition screen in an ostensibly healthy population. It had not been previously curated by ICSL or reported in the Human Gene Mutation Database (HGMD: prior to June 1st, 2018), and was therefore a candidate for classification through an automated scoring system. Utilizing variant allele frequency, disease prevalence and penetrance estimates, and inheritance mode, an automated score was calculated to assess if this variant is too frequent to cause the disease. Based on the score and internal cut-off values, a variant classified as benign is not then subjected to further curation. The score for this variant resulted in a classification of benign for this disease.

Breakthrough Genomics
Classification: Benign. Review status: criteria provided, single submitter. Criteria: ACMG Guidelines, 2015. Collection method: not provided. Allele origin: germline. Inheritance: Autosomal recessive inheritance. Affected: yes.

PreventionGenetics, part of Exact Sciences
Classification: Benign. Review status: criteria provided, single submitter. Criteria: ACMG Guidelines, 2015. Collection method: clinical testing. Allele origin: germline.

Natera, Inc.
Classification: Benign for Fanconi anemia, group A. Last evaluated: 2020-09-16. Review status: no assertion criteria provided. Collection method: clinical testing. Allele origin: germline. Not counted in ClinVar's aggregate classification.

NM_000135.4(FANCA):c.1941G>A (p.Glu647=)

Gene: FANCA (FA complementation group A; minus strand). Cytogenetic location: 16q24.3.
Variant type: single nucleotide variant.
Coding change: c.1941G>A on transcript NM_000135.4 (MANE Select); coding-DNA position 1941, G replaced by A.
Protein change: p.Glu647=; no amino-acid change (glutamic acid 647 retained).
Molecular consequence: synonymous variant.
Genome position (GRCh38, 1-based): chr16:89,773,344, C>T on the plus strand (G>A on the coding strand, the complement: FANCA is on the minus strand). VCF-style: chr16-89773344-C-T. GRCh37 (hg19) VCF-style: chr16-89839752-C-T.
Other names: p.Glu647=; c.1941G>A (LRG_495t1, NM_000135.3); c.1941G>A, p.Glu647= (NM_001286167.3).
Identifiers: ClinVar variation 255243 (VCV000255243.27), dbSNP rs17232917, ClinGen allele CA8251969.